The following is an entry in ClinVar:

NM_000396.4(CTSK):c.400-2A>G

Gene: CTSK (cathepsin K; minus strand). Cytogenetic location: 1q21.3.
Variant type: single nucleotide variant.
Coding change: c.400-2A>G on transcript NM_000396.4 (MANE Select); the canonical splice acceptor site of the intron before coding-DNA position 400, A replaced by G.
Molecular consequence: splice acceptor variant.
Genome position (GRCh38, 1-based): chr1:150,804,241, T>C on the plus strand (A>G on the coding strand, the complement: CTSK is on the minus strand). VCF-style: chr1-150804241-T-C. GRCh37 (hg19) VCF-style: chr1-150776717-T-C.
Identifiers: ClinVar variation 4818304 (VCV004818304.1).

ClinVar aggregate classification (germline): Likely pathogenic (1 of 4 stars; one submission).

Conditions:
Pyknodysostosis. Also called: Pycnodysostosis. Identifiers: Orphanet 763, MedGen C0238402, MONDO:0009940, OMIM 265800.

Submission:

Natera, Inc.
Classification: Likely pathogenic for Pyknodysostosis. Last evaluated: 2024-12-18. Review status: criteria provided, single submitter. Criteria: Natera Variant Classification Schema (03/2026). Collection method: clinical testing. Allele origin: germline.
Comment: The c.400-2A>G variant in CTSK is a canonical splice acceptor site variant predicted to affect pre-mRNA splicing, which may result in an abnormal transcript and altered protein product. This variant is expected to result in nonsense mediated decay, truncation, or a dysfunctional protein product. This variant is rare in the general population with a frequency below the threshold expected for the associated phenotype(s). Given the available evidence, this variant is classified as Likely Pathogenic.